The following is an entry in ClinVar:

ClinVar aggregate classification (germline): Likely benign. Review status: criteria provided, multiple submitters, no conflicts (2 of 4 stars). 2 submissions from 2 submitters: Likely benign (2). Last evaluated 2022-04-29.

Allele frequency attached by ClinVar (database versions not stated): ESP Exome Variant Server 0.00008; gnomAD 0.00024 and 0.00022; TOPMed 0.00024; ExAC below 0.00001.
gnomAD v4.1: 54 of 1,549,066 alleles (0.0035%); highest among the groups gnomAD compares: African/African-American, 0.062%; no homozygotes.

Submissions (2):

Blueprint Genetics
Classification: Likely benign. Last evaluated: 2022-04-29. Review status: criteria provided, single submitter. Criteria: ACMG Guidelines, 2015. Collection method: clinical testing. Allele origin: germline.

GeneDx
Classification: Likely benign. Last evaluated: 2017-05-11. Review status: criteria provided, single submitter. Criteria: GeneDx Variant Classification (06012015). Collection method: clinical testing. Allele origin: germline. Affected: yes.
Comment: This variant is considered likely benign or benign based on one or more of the following criteria: it is a conservative change, it occurs at a poorly conserved position in the protein, it is predicted to be benign by multiple in silico algorithms, and/or has population frequency not consistent with disease.

NM_000814.5(GABRB3):c.-665C>T

Gene: GABRB3 (gamma-aminobutyric acid type A receptor subunit beta3; minus strand). Cytogenetic location: 15q12.
Variant type: single nucleotide variant.
Coding change: c.-665C>T on transcript NM_000814.5; 665 bases upstream of the start codon, C replaced by T.
Molecular consequence: intron variant (on NM_021912.5).
Genome position (GRCh38, 1-based): chr15:26,773,627, G>A on the plus strand (C>T on the coding strand, the complement: GABRB3 is on the minus strand). VCF-style: chr15-26773627-G-A. GRCh37 (hg19) VCF-style: chr15-27018774-G-A.
Other names: c.80+18C>T (NM_021912.5).
Identifiers: ClinVar variation 509494 (VCV000509494.4), dbSNP rs376837906, ClinGen allele CA7437605.